The following is an entry in ClinVar:

ClinVar aggregate classification (germline): Uncertain significance (1 of 4 stars; one submission).

Allele frequency attached by ClinVar (database versions not stated): gnomAD exomes below 0.00001.
gnomAD v4.1: 1 of 1,528,116 alleles (0.000065%); highest among the groups gnomAD compares: South Asian, 0.0013%; no homozygotes.

Submission:

Labcorp Genetics (formerly Invitae), Labcorp
Classification: Uncertain significance. Last evaluated: 2021-12-14. Review status: criteria provided, single submitter. Criteria: Invitae Variant Classification Sherloc (09022015). Collection method: clinical testing. Allele origin: germline.
Comment: This variant has not been reported in the literature in individuals affected with DCHS1-related conditions. Advanced modeling of protein sequence and biophysical properties (such as structural, functional, and spatial information, amino acid conservation, physicochemical variation, residue mobility, and thermodynamic stability) performed at Invitae indicates that this missense variant is not expected to disrupt DCHS1 protein function. In summary, the available evidence is currently insufficient to determine the role of this variant in disease. Therefore, it has been classified as a Variant of Uncertain Significance. The frequency data for this variant in the population databases is considered unreliable, as metrics indicate poor data quality at this position in the gnomAD database. This sequence change replaces glutamine, which is neutral and polar, with glutamic acid, which is acidic and polar, at codon 989 of the DCHS1 protein (p.Gln989Glu).

NM_003737.4(DCHS1):c.2965C>G (p.Gln989Glu)

Gene: DCHS1 (dachsous cadherin-related 1; minus strand). Cytogenetic location: 11p15.4.
Variant type: single nucleotide variant.
Coding change: c.2965C>G on transcript NM_003737.4 (MANE Select); coding-DNA position 2965, C replaced by G.
Protein change: p.Gln989Glu; replaces glutamine 989 with glutamic acid.
Molecular consequence: missense variant.
Genome position (GRCh38, 1-based): chr11:6,632,547, G>C on the plus strand (C>G on the coding strand, the complement: DCHS1 is on the minus strand). VCF-style: chr11-6632547-G-C. GRCh37 (hg19) VCF-style: chr11-6653778-G-C.
Other names: short protein forms Q989E.
Identifiers: ClinVar variation 2042507 (VCV002042507.4), dbSNP rs1450645129, ClinGen allele CA379418007.
Genomic context (GRCh38, chr11:6,632,547, plus strand): 5'-GGTCCACACGGTAGGTAGGGCTGTTGAATCGGGGAGCCAGCCCACGGGTTCCCACATCCT[G>C]TACCACCACCCGTAGTCGAAAGTGGCTGGTGCGTGGTGGGGAGCCCCCATCCCGGGCCTC-3'
Protein context (NP_003728.1, residues 979-999): TSHFRLRVVV[Gln989Glu]DVGTRGLAPR